The following is an entry in ClinVar:

ClinVar aggregate classification (germline): Uncertain significance (1 of 4 stars; one submission).

Conditions:
Hereditary cancer-predisposing syndrome. Also called: Hereditary neoplastic syndrome; Tumor predisposition; Neoplastic Syndromes, Hereditary; Hereditary Cancer Syndrome. Identifiers: Orphanet 140162, MedGen C0027672, MeSH D009386, MONDO:0015356.

Submission:

Labcorp Genetics (formerly Invitae), Labcorp
Classification: Uncertain significance for Hereditary cancer-predisposing syndrome. Last evaluated: 2021-04-24. Review status: criteria provided, single submitter. Criteria: Invitae Variant Classification Sherloc (09022015). Collection method: clinical testing. Allele origin: germline.
Comment: In summary, the available evidence is currently insufficient to determine the role of this variant in disease. Therefore, it has been classified as a Variant of Uncertain Significance. Algorithms developed to predict the effect of missense changes on protein structure and function (SIFT, PolyPhen-2, Align-GVGD) all suggest that this variant is likely to be disruptive, but these predictions have not been confirmed by published functional studies and their clinical significance is uncertain. This variant has not been reported in the literature in individuals with RAD50-related conditions. This variant is not present in population databases (ExAC no frequency). This sequence change replaces leucine with proline at codon 144 of the RAD50 protein (p.Leu144Pro). The leucine residue is highly conserved and there is a moderate physicochemical difference between leucine and proline.

NM_005732.4(RAD50):c.431T>C (p.Leu144Pro)

Gene: RAD50 (RAD50 double strand break repair protein; plus strand). Cytogenetic location: 5q31.1.
Variant type: single nucleotide variant.
Coding change: c.431T>C on transcript NM_005732.4 (MANE Select); coding-DNA position 431, T replaced by C.
Protein change: p.Leu144Pro; replaces leucine 144 with proline.
Molecular consequence: missense variant.
Genome position (GRCh38, 1-based): chr5:132,579,382, T>C. VCF-style: chr5-132579382-T-C. GRCh37 (hg19) VCF-style: chr5-131915074-T-C.
Other names: short protein forms L144P.
Identifiers: ClinVar variation 1348360 (VCV001348360.8), dbSNP rs2149837732, ClinGen allele CA360933922.